The following is an entry in ClinVar:

NM_003924.4(PHOX2B):c.767_768insGGCGGCGTCAGCGGC (p.255_258A[4]SAAAA[1])

Genes: PHOX2B (paired like homeobox 2B; minus strand), LOC110011216 (paired like homeobox 2b polyalanine repeat instability region; plus strand). Cytogenetic location: 4p13.
Variant type: Insertion.
Coding change: c.767_768insGGCGGCGTCAGCGGC on transcript NM_003924.4 (MANE Select); coding-DNA positions 767 to 768, GGCGGCGTCAGCGGC inserted.
Protein change: p.255_258A[4]SAAAA[1].
Molecular consequence: inframe insertion.
Genome position: GRCh38 VCF-style: chr4-41745984-T-TGCCGCTGACGCCGCC. GRCh37 (hg19) VCF-style: chr4-41748001-T-TGCCGCTGACGCCGCC.
Identifiers: ClinVar variation 1423672 (VCV001423672.6), dbSNP rs2153112761, ClinGen allele CA2573137670.

ClinVar aggregate classification (germline): Uncertain significance (1 of 4 stars; one submission).

Conditions:
Haddad syndrome (OHD). Also called: Ondine-Hirschsprung disease. Identifiers: Orphanet 99803, MedGen C1859049, MONDO:0020493.

Submission:

Labcorp Genetics (formerly Invitae), Labcorp
Classification: Uncertain significance for Haddad syndrome. Last evaluated: 2023-10-05. Review status: criteria provided, single submitter. Criteria: Invitae Variant Classification Sherloc (09022015). Collection method: clinical testing. Allele origin: germline.
Comment: This variant, c.767_768insGGCGGCGTCAGCGGC, results in the insertion of 5 amino acid(s) of the PHOX2B protein (p.Ala258_Ala259insSerAlaAlaAlaAla), but otherwise preserves the integrity of the reading frame. This variant is not present in population databases (gnomAD no frequency). This variant has not been reported in the literature in individuals affected with PHOX2B-related conditions. ClinVar contains an entry for this variant (Variation ID: 1423672). In summary, the available evidence is currently insufficient to determine the role of this variant in disease. Therefore, it has been classified as a Variant of Uncertain Significance.